The following is an entry in ClinVar:

NM_005732.4(RAD50):c.3390-2A>G

Genes: TH2-LCR (Th2 cytokine locus control region; plus strand), TH2LCRR (T helper type 2 locus control region associated RNA; minus strand), RAD50 (RAD50 double strand break repair protein; plus strand). Cytogenetic location: 5q31.1.
Variant type: single nucleotide variant.
Coding change: c.3390-2A>G on transcript NM_005732.4 (MANE Select); the canonical splice acceptor site of the intron before coding-DNA position 3390, A replaced by G.
Molecular consequence: splice acceptor variant.
Genome position (GRCh38, 1-based): chr5:132,637,113, A>G. VCF-style: chr5-132637113-A-G. GRCh37 (hg19) VCF-style: chr5-131972805-A-G.
Identifiers: ClinVar variation 1066651 (VCV001066651.7), dbSNP rs2149862702, ClinGen allele CA360929639.

ClinVar aggregate classification (germline): Likely pathogenic (1 of 4 stars; one submission).

Conditions:
Hereditary cancer-predisposing syndrome. Also called: Hereditary Cancer Syndrome; Hereditary neoplastic syndrome; Neoplastic Syndromes, Hereditary; Tumor predisposition. Identifiers: Orphanet 140162, MedGen C0027672, MeSH D009386, MONDO:0015356.

Submission:

Labcorp Genetics (formerly Invitae), Labcorp
Classification: Likely pathogenic for Hereditary cancer-predisposing syndrome. Last evaluated: 2022-10-17. Review status: criteria provided, single submitter. Criteria: Invitae Variant Classification Sherloc (09022015). Collection method: clinical testing. Allele origin: germline.
Comment: In summary, the currently available evidence indicates that the variant is pathogenic, but additional data are needed to prove that conclusively. Therefore, this variant has been classified as Likely Pathogenic. Algorithms developed to predict the effect of sequence changes on RNA splicing suggest that this variant may disrupt the consensus splice site. This sequence change affects an acceptor splice site in intron 21 of the RAD50 gene. It is expected to disrupt RNA splicing. Variants that disrupt the donor or acceptor splice site typically lead to a loss of protein function (PMID: 16199547), and loss-of-function variants in RAD50 are known to be pathogenic (PMID: 19409520). This variant is not present in population databases (gnomAD no frequency). This variant has not been reported in the literature in individuals affected with RAD50-related conditions. ClinVar contains an entry for this variant (Variation ID: 1066651).

Literature cited by the submitters: PubMed 16199547; PubMed 19409520.